The following is an entry in ClinVar:

ClinVar aggregate classification (germline): Conflicting classifications of pathogenicity. Review status: criteria provided, conflicting classifications (1 of 4 stars). 4 submissions from 4 submitters: Uncertain significance (1); Likely benign (3). Last evaluated 2026-03-27.

Conditions:
Autosomal recessive limb-girdle muscular dystrophy type 2J (LGMDR10). Also called: MUSCULAR DYSTROPHY, LIMB-GIRDLE, AUTOSOMAL RECESSIVE 10; Limb-girdle muscular dystrophy, type 2J. Identifiers: Orphanet 140922, MedGen C1837342, MONDO:0012127, OMIM 608807.
Dilated cardiomyopathy 1G (CMD1G). Identifiers: Orphanet 154, MedGen C1858763, MONDO:0011400, OMIM 604145.

Allele frequency attached by ClinVar (database versions not stated): gnomAD exomes below 0.00001.
gnomAD v4.1: 9 of 1,614,042 alleles (0.00056%); highest among the groups gnomAD compares: Non-Finnish European, 0.00076%; no homozygotes.

Submissions (4):

Molecular Diagnostic Laboratory for Inherited Cardiovascular Disease, Montreal Heart Institute
Classification: Likely benign. Last evaluated: 2026-03-27. Review status: criteria provided, single submitter. Criteria: ACMG Guidelines, 2015. Collection method: clinical testing. Allele origin: germline. Affected: no.
Comment: BP7

Labcorp Genetics (formerly Invitae), Labcorp
Classification: Likely benign for Dilated cardiomyopathy 1G; Autosomal recessive limb-girdle muscular dystrophy type 2J. Last evaluated: 2025-11-02. Review status: criteria provided, single submitter. Criteria: Invitae Variant Classification Sherloc (09022015). Collection method: clinical testing. Allele origin: germline.

Revvity Omics, Revvity
Classification: Uncertain significance. Last evaluated: 2025-06-20. Review status: criteria provided, single submitter. Criteria: ACMG Guidelines, 2015. Collection method: clinical testing. Allele origin: germline.

Blueprint Genetics
Classification: Likely benign. Last evaluated: 2022-08-18. Review status: criteria provided, single submitter. Criteria: ACMG Guidelines, 2015. Collection method: clinical testing. Allele origin: germline.

NM_001267550.2(TTN):c.6315A>C (p.Pro2105=)

Gene: TTN (titin; minus strand). Cytogenetic location: 2q31.2.
Variant type: single nucleotide variant.
Coding change: c.6315A>C on transcript NM_001267550.2 (MANE Select); coding-DNA position 6315, A replaced by C.
Protein change: p.Pro2105=; no amino-acid change (proline 2105 retained).
Molecular consequence: synonymous variant.
Genome position (GRCh38, 1-based): chr2:178,775,549, T>G on the plus strand (A>C on the coding strand, the complement: TTN is on the minus strand). VCF-style: chr2-178775549-T-G. GRCh37 (hg19) VCF-style: chr2-179640276-T-G.
Other names: c.6315A>C, p.Pro2105= (NM_001256850.1, NM_133378.4, NM_133379.5); c.6177A>C, p.Pro2059= (NM_003319.4, NM_133432.3, NM_133437.4).
Identifiers: ClinVar variation 1581731 (VCV001581731.11), dbSNP rs1347825753, ClinGen allele CA430280097.